The following is an entry in ClinVar:

ClinVar aggregate classification (germline): not provided. Review status: no classification provided (0 of 4 stars). 2 submissions from 1 submitter: not provided (2).

Conditions:
Normal pregnancy. Identifiers: MedGen C0232989.
Gestational diabetes mellitus uncontrolled. Identifiers: MedGen C3532257.

Submissions (2):

Institute of Molecular and Cell Biology, University of Tartu
No classification provided. Condition: Normal pregnancy. Review status: no classification provided. Collection method: case-control. Allele origin: unknown. Affected: yes. Study: Kasak2014.
Comment: The study aimed to determine the contribution of copy number variants in the genetic etiology of normal and complicated pregnancies. The samples represented (i) maternal blood DNA drawn from healthy pregnant women during 1st or 2nd trimester and (ii) maternal and paternal blood DNA drawn at term pregnancy cases representing normal and complicated gestations (severe preeclampsia, PE; gestational diabetes, GD; small-for-gestational age newborn, SGA; large-for-gestational age newborn, LGA). We performed CNV calling based on genome-wide genotyping dataset (Illumina HumanOmniExpress-24-v1 BeadChip) by applying three algorithms, QuantiSNP, GADA (Genome Alteration Detection Algorithm) and CNstream in parallel. The acquired CNV calls were merged with HD-CNV (Hotspot Detector for Copy Number Variants) program and only the CNVs predicted by at least two programs, were considered in subsequent analysis.

Institute of Molecular and Cell Biology, University of Tartu
No classification provided. Condition: Gestational diabetes mellitus uncontrolled. Review status: no classification provided. Collection method: case-control. Allele origin: unknown. Affected: yes. Study: Kasak2014.
Comment: the same text as in the submission from Institute of Molecular and Cell Biology, University of Tartu above.

Literature cited by the submitters: PubMed 25666259.

NC_000002.12:g.183933099_183937882del

Variant type: Deletion.
Genome position: GRCh38: chr2:183,933,099-183,937,882. GRCh37 (hg19): chr2:184,797,826-184,802,609.
Identifiers: ClinVar variation 156810 (VCV000156810.3), ClinGen allele CA212006.